The following is an entry in ClinVar:

ClinVar aggregate classification (germline): Pathogenic/Likely pathogenic. Review status: criteria provided, multiple submitters, no conflicts (2 of 4 stars). 3 submissions from 3 submitters: Pathogenic (2); Likely pathogenic (1). Last evaluated 2026-01-11.

Conditions:
CSPP1-related disorder. Also called: CSPP1-related condition.
Joubert syndrome 21 (JBTS21). Identifiers: MedGen C3810212, MONDO:0014288, OMIM 615636.

Submissions (3):

Labcorp Genetics (formerly Invitae), Labcorp
Classification: Pathogenic for Joubert syndrome 21. Last evaluated: 2026-01-11. Review status: criteria provided, single submitter. Criteria: Invitae Variant Classification Sherloc (09022015). Collection method: clinical testing. Allele origin: germline.
Comment: This sequence change creates a premature translational stop signal (p.Arg612Thrfs*2) in the CSPP1 gene. It is expected to result in an absent or disrupted protein product. Loss-of-function variants in CSPP1 are known to be pathogenic (PMID: 24360807, 24360808). The frequency data for this variant in the population databases is considered unreliable, as metrics indicate poor data quality at this position in the gnomAD database. This premature translational stop signal has been observed in individual(s) with Joubert syndrome (PMID: 28125082). ClinVar contains an entry for this variant (Variation ID: 523960). For these reasons, this variant has been classified as Pathogenic.

GeneDx
Classification: Pathogenic. Last evaluated: 2023-06-26. Review status: criteria provided, single submitter. Criteria: GeneDx Variant Classification Process June 2021. Collection method: clinical testing. Allele origin: germline. Affected: yes.
Comment: Frameshift variant predicted to result in protein truncation or nonsense mediated decay in a gene for which loss-of-function is a known mechanism of disease; Not observed at significant frequency in large population cohorts (gnomAD); This variant is associated with the following publications: (PMID: 28125082)

Blueprint Genetics
Classification: Likely pathogenic for CSPP1-related disorders. Last evaluated: 2022-01-15. Review status: criteria provided, single submitter. Criteria: ACMG Guidelines, 2015. Collection method: clinical testing. Allele origin: germline. Affected: yes. Observed: 2 variant alleles.

Literature cited by the submitters: PubMed 24360807 (cited by Labcorp Genetics (formerly Invitae), Labcorp); PubMed 24360808 (cited by Labcorp Genetics (formerly Invitae), Labcorp); PubMed 28125082 (cited by Labcorp Genetics (formerly Invitae), Labcorp).

NM_001382391.1(CSPP1):c.1850_1860del (p.Arg617fs)

Gene: CSPP1 (centrosome and spindle pole associated protein 1; plus strand). Cytogenetic location: 8q13.2.
Variant type: Deletion.
Coding change: c.1850_1860del on transcript NM_001382391.1 (MANE Select); coding-DNA positions 1850 to 1860, 11 bases deleted (GGAAGAAAGAA).
Protein change: p.Arg617fs; shifts the reading frame from arginine 617.
Molecular consequence: frameshift variant.
Genome position (GRCh38, 1-based): chr8:67,137,478-67,137,488, GGAAGAAAGAA deleted; deleting any 11 consecutive bases within chr8:67,137,468-67,137,488 gives the same sequence; the c. name uses the placement nearest the transcript's 3' end. VCF-style (leftmost placement, unchanged base first): chr8-67137467-AGAAGAAAGAAG-A. GRCh37 (hg19) VCF-style: chr8-68049702-AGAAGAAAGAAG-A.
Other names: c.953_963del, p.Arg318fs (NM_001291339.2); c.1769_1779del, p.Arg590fs (NM_001363131.2); c.1808_1818del, p.Arg603fs (NM_001363132.2); c.1727_1737del, p.Arg576fs (NM_001363133.2); c.1916_1926del, p.Arg639fs (NM_001364869.1); c.1736_1746del, p.Arg579fs (NM_001364870.1); c.1835_1845delGGAAGAAAGAA, p.Arg612Thrfs (NM_024790.7); c.1835_1845delGGAAGAAAGAA (NM_024790.6); short protein forms R579fs, R590fs, R576fs, R639fs, R318fs, R603fs, R612fs, R617fs.
Identifiers: ClinVar variation 523960 (VCV000523960.12), dbSNP rs1189289587, ClinGen allele CA582515908.